The following is an entry in ClinVar:

NM_006005.3(WFS1):c.683_684delinsAG (p.Arg228Gln)

Gene: WFS1 (wolframin ER transmembrane glycoprotein; plus strand). Cytogenetic location: 4p16.1.
Variant type: Indel.
Coding change: c.683_684delinsAG on transcript NM_006005.3 (MANE Select); coding-DNA positions 683 to 684, GC replaced by AG.
Protein change: p.Arg228Gln; replaces arginine 228 with glutamine.
Molecular consequence: missense variant.
Genome position (GRCh38, 1-based): chr4:6,291,968-6,291,969, GC replaced by AG. VCF-style: chr4-6291968-GC-AG. GRCh37 (hg19) VCF-style: chr4-6293695-GC-AG.
Other names: c.683_684delinsAG, p.Arg228Gln (NM_001145853.1); short protein forms R228Q.
Identifiers: ClinVar variation 1500550 (VCV001500550.8), dbSNP rs2109117184, ClinGen allele CA2573138322.

ClinVar aggregate classification (germline): Uncertain significance. Review status: criteria provided, multiple submitters, no conflicts (2 of 4 stars). 3 submissions from 3 submitters: Uncertain significance (3). Last evaluated 2024-08-04.

Conditions:
Wolfram syndrome 1 (WFS1). Identifiers: Orphanet 3463, MedGen C4551693, MONDO:0009101, OMIM 222300.
Cataract 41 (CTRCT41). Also called: CATARACT 41, CONGENITAL NUCLEAR TYPE. Identifiers: Orphanet 91492, Orphanet 98991, Orphanet 98992, Orphanet 98995, MedGen C3805412, MONDO:0007287, OMIM 116400.
Autosomal dominant nonsyndromic hearing loss 6 (LFSNHL). Also called: DEAFNESS, AUTOSOMAL DOMINANT 6; Autosomal dominant nonsyndromic deafness 6; DEAFNESS, AUTOSOMAL DOMINANT 14; DEAFNESS, AUTOSOMAL DOMINANT 38. Identifiers: Orphanet 90635, MedGen C1833021, MONDO:0010963, OMIM 600965.
Type 2 diabetes mellitus. Also called: Type II diabetes mellitus. Identifiers: MedGen C0011860, MeSH D003924, MONDO:0005148, OMIM 125853, HP:0005978.
Wolfram-like syndrome. Also called: HEARING LOSS, PROGRESSIVE, WITH OPTIC ATROPHY AND/OR IMPAIRED GLUCOSE REGULATION. Identifiers: Orphanet 411590, MedGen C3280358, MONDO:0013673, OMIM 614296.

Submissions (3):

Labcorp Genetics (formerly Invitae), Labcorp
Classification: Uncertain significance. Last evaluated: 2024-08-04. Review status: criteria provided, single submitter. Criteria: Invitae Variant Classification Sherloc (09022015). Collection method: clinical testing. Allele origin: germline.
Comment: This sequence change replaces arginine, which is basic and polar, with glutamine, which is neutral and polar, at codon 228 of the WFS1 protein (p.Arg228Gln). This variant is present in population databases (no rsID available, gnomAD 0.001%). This variant has not been reported in the literature in individuals affected with WFS1-related conditions. ClinVar contains an entry for this variant (Variation ID: 1500550). An algorithm developed to predict the effect of missense changes on protein structure and function (PolyPhen-2) suggests that this variant is likely to be disruptive. In summary, the available evidence is currently insufficient to determine the role of this variant in disease. Therefore, it has been classified as a Variant of Uncertain Significance.

Fulgent Genetics
Classification: Uncertain significance for Cataract 41; Type 2 diabetes mellitus; Wolfram syndrome 1; Autosomal dominant nonsyndromic hearing loss 6; Wolfram-like syndrome. Last evaluated: 2024-03-19. Review status: criteria provided, single submitter. Criteria: ACMG Guidelines, 2015. Collection method: clinical testing. Allele origin: germline.

Blueprint Genetics
Classification: Uncertain significance. Last evaluated: 2018-11-02. Review status: criteria provided, single submitter. Criteria: ACMG Guidelines, 2015. Collection method: clinical testing. Allele origin: germline.